The following is an entry in ClinVar:

NM_001395159.1(UNC79):c.3625T>C (p.Trp1209Arg)

Gene: UNC79 (unc-79 homolog, NALCN channel complex subunit; plus strand). Cytogenetic location: 14q32.12.
Variant type: single nucleotide variant.
Coding change: c.3625T>C on transcript NM_001395159.1 (MANE Select); coding-DNA position 3625, T replaced by C.
Protein change: p.Trp1209Arg; replaces tryptophan 1209 with arginine.
Molecular consequence: missense variant.
Genome position (GRCh38, 1-based): chr14:93,603,289, T>C. VCF-style: chr14-93603289-T-C. GRCh37 (hg19) VCF-style: chr14-94069635-T-C.
Other names: c.3625T>C, p.Trp1209Arg (NM_001346218.2); c.3094T>C, p.Trp1032Arg (NM_020818.5); short protein forms W1032R, W1209R.
Identifiers: ClinVar variation 3603145 (VCV003603145.1).

ClinVar aggregate classification (germline): Uncertain significance (1 of 4 stars; one submission).

Submission:

GeneDx
Classification: Uncertain significance. Last evaluated: 2024-08-04. Review status: criteria provided, single submitter. Criteria: GeneDx Variant Classification Process June 2021. Collection method: clinical testing. Allele origin: germline. Affected: yes.
Comment: Not observed at significant frequency in large population cohorts (gnomAD); In silico analysis indicates that this missense variant does not alter protein structure/function; Has not been previously published as pathogenic or benign to our knowledge